The following is an entry in ClinVar:

NM_001367624.2(ZNF469):c.8081G>A (p.Arg2694His)

Gene: ZNF469 (zinc finger protein 469; plus strand). Cytogenetic location: 16q24.2.
Variant type: single nucleotide variant.
Coding change: c.8081G>A on transcript NM_001367624.2 (MANE Select); coding-DNA position 8081, G replaced by A.
Protein change: p.Arg2694His; replaces arginine 2694 with histidine.
Molecular consequence: missense variant.
Genome position (GRCh38, 1-based): chr16:88,435,551, G>A. VCF-style: chr16-88435551-G-A. GRCh37 (hg19) VCF-style: chr16-88501959-G-A.
Other names: NM_001127464.1:c.7997G>A; short protein forms R2694H.
Identifiers: ClinVar variation 3476236 (VCV003476236.1).

ClinVar aggregate classification (germline): Uncertain significance (1 of 4 stars; one submission).

Conditions:
Cardiovascular phenotype. Identifiers: MedGen CN230736.

gnomAD v4.1: 7 of 1,549,528 alleles (0.00045%); highest among the groups gnomAD compares: South Asian, 0.0012%; no homozygotes.

Submission:

Ambry Genetics
Classification: Uncertain significance for Cardiovascular phenotype. Last evaluated: 2024-10-08. Review status: criteria provided, single submitter. Criteria: Ambry Variant Classification Scheme 2023. Collection method: clinical testing. Allele origin: germline.
Comment: The p.R2666H variant (also known as c.7997G>A), located in coding exon 2 of the ZNF469 gene, results from a G to A substitution at nucleotide position 7997. The arginine at codon 2666 is replaced by histidine, an amino acid with highly similar properties. This amino acid position is conserved. In addition, this alteration is predicted to be tolerated by in silico analysis. Based on the available evidence, the clinical significance of this variant remains unclear.